The following is an entry in ClinVar:

NM_020297.4(ABCC9):c.-11T>C

Gene: ABCC9 (ATP binding cassette subfamily C member 9; minus strand). Cytogenetic location: 12p12.1.
Variant type: single nucleotide variant.
Coding change: c.-11T>C on transcript NM_020297.4 (MANE Select); 11 bases upstream of the start codon, T replaced by C.
Molecular consequence: 5 prime UTR variant.
Genome position (GRCh38, 1-based): chr12:21,936,685, A>G on the plus strand (T>C on the coding strand, the complement: ABCC9 is on the minus strand). VCF-style: chr12-21936685-A-G. GRCh37 (hg19) VCF-style: chr12-22089619-A-G.
Other names: c.-11T>C (NM_001377273.1, NM_005691.4); c.-465T>C (NM_001377274.1).
Identifiers: ClinVar variation 35625 (VCV000035625.10), dbSNP rs72559432, ClinGen allele CA136193.

ClinVar aggregate classification (germline): Benign/Likely benign. Review status: criteria provided, multiple submitters, no conflicts (2 of 4 stars). 5 submissions from 4 submitters: Benign (1); Likely benign (3). 1 of the submissions does not count toward it. Last evaluated 2025-02-03.

Conditions:
Hypertrichotic osteochondrodysplasia Cantu type. Also called: Cantú Syndrome; Cantu Syndrome. Identifiers: Orphanet 1517, MedGen C0795905, MONDO:0009406, OMIM 239850.
Dilated cardiomyopathy 1O (CMD1O). Also called: CARDIOMYOPATHY, DILATED, WITH VENTRICULAR TACHYCARDIA. Identifiers: Orphanet 154, MedGen C1837839, MONDO:0012062, OMIM 608569.

Allele frequency attached by ClinVar (database versions not stated): gnomAD 0.00004 and 0.00027; ESP Exome Variant Server 0.00008; TOPMed 0.00012; gnomAD exomes 0.00061 and 0.00128; ExAC 0.00148; 1000 Genomes Project 30x 0.00156; 1000 Genomes Project 0.00180.
gnomAD v4.1: 920 of 1,602,468 alleles (0.057%); highest among the groups gnomAD compares: South Asian, 0.92%; 18 homozygotes.

Submissions (5):

Women's Health and Genetics/Laboratory Corporation of America, LabCorp
Classification: Benign. Last evaluated: 2025-02-03. Review status: criteria provided, single submitter. Criteria: LabCorp Variant Classification Summary - May 2015. Collection method: clinical testing. Allele origin: germline.
Comment: Variant summary: ABCC9 c.-11T>C is located in the untranslated mRNA region upstream of the initiation codon. The variant allele was found at a frequency of 0.0013 in 250268 control chromosomes in the gnomAD database, including 4 homozygotes. The observed variant frequency is approximately 51.14 fold of the estimated maximal expected allele frequency for a pathogenic variant in ABCC9 causing Cardiomyopathy phenotype (2.5e-05). To our knowledge, no occurrence of c.-11T>C in individuals affected with Cardiomyopathy and no experimental evidence demonstrating its impact on protein function have been reported. ClinVar contains an entry for this variant (Variation ID: 35625). Based on the evidence outlined above, the variant was classified as benign.

Illumina Laboratory Services, Illumina
Classification: Likely benign for Hypertrichotic osteochondrodysplasia Cantu type. Last evaluated: 2018-01-13. Review status: criteria provided, single submitter. Criteria: ICSL Variant Classification Criteria 13 December 2019. Collection method: clinical testing. Allele origin: germline.
Comment: This variant was observed in the ICSL laboratory as part of a predisposition screen in an ostensibly healthy population. It had not been previously curated by ICSL or reported in the Human Gene Mutation Database (HGMD: prior to June 1st, 2018), and was therefore a candidate for classification through an automated scoring system. Utilizing variant allele frequency, disease prevalence and penetrance estimates, and inheritance mode, an automated score was calculated to assess if this variant is too frequent to cause the disease. Based on the score and internal cut-off values, a variant classified as likely benign is not then subjected to further curation. The score for this variant resulted in a classification of likely benign for this disease.

Illumina Laboratory Services, Illumina
Classification: Likely benign for Dilated cardiomyopathy 1O. Last evaluated: 2018-01-13. Review status: criteria provided, single submitter. Criteria: ICSL Variant Classification Criteria 13 December 2019. Collection method: clinical testing. Allele origin: germline.
Comment: the same text as in the submission from Illumina Laboratory Services, Illumina above.

GeneDx
Classification: Likely benign. Last evaluated: 2015-12-16. Review status: criteria provided, single submitter. Criteria: GeneDx Variant Classification (06012015). Collection method: clinical testing. Allele origin: germline. Affected: yes.
Comment: This variant is considered likely benign or benign based on one or more of the following criteria: it is a conservative change, it occurs at a poorly conserved position in the protein, it is predicted to be benign by multiple in silico algorithms, and/or has population frequency not consistent with disease.

Laboratory for Molecular Medicine, Mass General Brigham Personalized Medicine
No classification provided. Last evaluated: 2013-08-11. Review status: no classification provided. Collection method: clinical testing. Allele origin: germline. Observed: 4 variant alleles. Not counted in ClinVar's aggregate classification.
Comment: The -11T>C variant in ABCC9 has been identified in 1/8598 European American chromosomes from a broad population by the NHLBI Exome Sequencing Project. This variant is located in the 5' UTR of the ABCC9 gene and although this region can contain regulatory elements, there is no obvious predicted effect of this variant and there are no pathogenic variants that have been reported in this region of ABCC9. Additional information is needed to fully assess the clinical significance of the -11T>C variant.